The following is an entry in ClinVar:

ClinVar aggregate classification (germline): Uncertain significance (1 of 4 stars; one submission).

gnomAD v4.1: 42 of 1,585,930 alleles (0.0026%); highest among the groups gnomAD compares: Middle Eastern, 0.1%; no homozygotes.

Submission:

Labcorp Genetics (formerly Invitae), Labcorp
Classification: Uncertain significance. Last evaluated: 2025-03-27. Review status: criteria provided, single submitter. Criteria: Invitae Variant Classification Sherloc (09022015). Collection method: clinical testing. Allele origin: germline.
Comment: This sequence change replaces aspartic acid, which is acidic and polar, with glutamic acid, which is acidic and polar, at codon 650 of the WDR36 protein (p.Asp650Glu). This variant is present in population databases (rs529338768, gnomAD 0.009%). This variant has not been reported in the literature in individuals affected with WDR36-related conditions. Invitae Evidence Modeling of protein sequence and biophysical properties (such as structural, functional, and spatial information, amino acid conservation, physicochemical variation, residue mobility, and thermodynamic stability) indicates that this missense variant is expected to disrupt WDR36 protein function with a positive predictive value of 80%. In summary, the available evidence is currently insufficient to determine the role of this variant in disease. Therefore, it has been classified as a Variant of Uncertain Significance.

NM_139281.3(WDR36):c.1782C>A (p.Asp594Glu)

Gene: WDR36 (WD repeat domain 36; plus strand). Cytogenetic location: 5q22.1.
Variant type: single nucleotide variant.
Coding change: c.1782C>A on transcript NM_139281.3 (MANE Select); coding-DNA position 1782, C replaced by A.
Protein change: p.Asp594Glu; replaces aspartic acid 594 with glutamic acid.
Molecular consequence: missense variant.
Genome position (GRCh38, 1-based): chr5:111,113,139, C>A. VCF-style: chr5-111113139-C-A. GRCh37 (hg19) VCF-style: chr5-110448838-C-A.
Other names: short protein forms D594E.
Identifiers: ClinVar variation 3665173 (VCV003665173.2).
Genomic context (GRCh38, chr5:111,113,139, plus strand): 5'-TAGTCCTGATGGTCGTTGGTTAATAAGTGCTGCGATGGATTGCTCTATTAGGACTTGGGA[C>A]CTTCCTTCTGGGTGGTAAGTTTATATTTCTAATTCCCTAACCTCTATAAGATTTCTAAGT-3'
Protein context (NP_644810.2, residues 584-604): AAMDCSIRTW[Asp594Glu]LPSGCLIDCF